The following is an entry in ClinVar:

ClinVar aggregate classification (germline): Pathogenic/Likely pathogenic. Review status: criteria provided, multiple submitters, no conflicts (2 of 4 stars). 2 submissions from 2 submitters: Pathogenic (1); Likely pathogenic (1). Last evaluated 2025-03-04.

Conditions:
Lynch syndrome. Identifiers: Orphanet 144, MedGen C4552100, MONDO:0005835. Disease mechanism: loss of function.

Submissions (2):

Center for Genomic Medicine, Rigshospitalet, Copenhagen University Hospital
Classification: Pathogenic. Last evaluated: 2025-03-04. Review status: criteria provided, single submitter. Criteria: ACMG Guidelines, 2015. Collection method: clinical testing. Allele origin: germline.

Department of Clinical Genetics, Copenhagen University Hospital, Rigshospitalet
Classification: Likely pathogenic for Lynch syndrome. Last evaluated: 2025-02-04. Review status: criteria provided, single submitter. Criteria: ACMG Guidelines, 2015. Collection method: clinical testing. Allele origin: germline.
Comment: PVS1; PM2_SUP;

NM_000179.3(MSH6):c.997dup (p.Thr333fs)

Gene: MSH6 (mutS homolog 6; plus strand). Cytogenetic location: 2p16.3.
Variant type: Duplication.
Coding change: c.997dup on transcript NM_000179.3 (MANE Select); coding-DNA position 997, one base duplicated (A; older notation c.997dupA).
Protein change: p.Thr333fs; shifts the reading frame from threonine 333.
Molecular consequence: frameshift variant. On other transcripts: non-coding transcript variant (4), intron variant (1).
Genome position (GRCh38, 1-based): chr2:47,798,980, A duplicated; the last of 3 consecutive A bases (chr2:47,798,978-47,798,980); duplicating any one gives the same sequence. VCF-style (leftmost placement, unchanged base first): chr2-47798977-G-GA. GRCh37 (hg19) VCF-style: chr2-48026116-G-GA.
Other names: c.607dup, p.Thr203fs (NM_001281492.2); c.91dup, p.Thr31fs (NM_001281493.2, NM_001281494.2, NM_001406811.1 and 6 more transcripts); c.1093dup, p.Thr365fs (NM_001406795.1, NM_001406802.1); c.997dup, p.Thr333fs (NM_001406796.1, NM_001406798.1, NM_001406800.1 and 4 more transcripts); c.700dup, p.Thr234fs (NM_001406797.1, NM_001406801.1, NM_001406805.1 and 10 more transcripts); c.472dup, p.Thr158fs (NM_001406799.1, NM_001406806.1, NM_001406807.1); c.919dup, p.Thr307fs (NM_001406804.1); c.1003dup, p.Thr335fs (NM_001406813.1); and 3 more; short protein forms T158fs, T203fs, T234fs, T277fs, T307fs, T31fs, T333fs, T335fs.
Identifiers: ClinVar variation 2575372 (VCV002575372.4), dbSNP rs2530582820, ClinGen allele CA2580612569.